The following is an entry in ClinVar:

NM_001099922.3(ALG13):c.241G>A (p.Ala81Thr)

Gene: ALG13 (ALG13 UDP-N-acetylglucosaminyltransferase subunit; plus strand). Cytogenetic location: Xq23.
Variant type: single nucleotide variant.
Coding change: c.241G>A on transcript NM_001099922.3 (MANE Select); coding-DNA position 241, G replaced by A.
Protein change: p.Ala81Thr; replaces alanine 81 with threonine.
Molecular consequence: missense variant. On other transcripts: 5 prime UTR variant (9), non-coding transcript variant (3), intron variant (3).
Genome position (GRCh38, 1-based): chrX:111,682,291, G>A. VCF-style: chrX-111682291-G-A. GRCh37 (hg19) VCF-style: chrX-110925519-G-A.
Other names: c.-72G>A (NM_001324291.2, NM_001324293.1, NM_001324294.2 and 6 more transcripts); c.241G>A, p.Ala81Thr (NM_001324292.2, NM_018466.6, NM_001168385.3 and 1 more transcripts); c.10+56G>A (NM_001257231.2, NM_001257241.3); c.185+56G>A (NM_001039210.5); short protein forms A81T.
Identifiers: ClinVar variation 423341 (VCV000423341.5), dbSNP rs1064796372, ClinGen allele CA16621181.
Genomic context (GRCh38, chrX:111,682,291, plus strand): 5'-TACAGGTACAAGGATTCCTTGAAAGAAGACATTCAGAAAGCAGATCTTGTTATTAGTCAC[G>A]CAGGTAAAGGTGCCTAAGAATCTCAGGGTTGGGTCTTTTAATTTTAATTTTTTTTAAGTT-3'
Protein context (NP_001093392.1, residues 71-91): IQKADLVISH[Ala81Thr]GAGSCLETLE

ClinVar aggregate classification (germline): Uncertain significance. Review status: criteria provided, single submitter (1 of 4 stars). 3 submissions from 3 submitters: Uncertain significance (1). 2 of the submissions do not count toward it. Last evaluated 2017-02-13.

Conditions:
Developmental and epileptic encephalopathy, 36 (DEE36). Also called: Epileptic encephalopathy, early infantile, 36; ALG13-CDG; Congenital disorder of glycosylation, type Is. Identifiers: Orphanet 324422, MedGen C4317295, MONDO:0010472, OMIM 300884.
Microcephaly. Also called: Microcephaly (disease). Identifiers: MedGen C4551563, MONDO:0001149, HP:0000252.
Neurodevelopmental delay. Identifiers: MedGen C4022738, HP:0012758.
Seizure. Also called: Seizures. Identifiers: MedGen C0036572, HP:0001250.

Submissions (3):

GeneDx
Classification: Uncertain significance. Last evaluated: 2017-02-13. Review status: criteria provided, single submitter. Criteria: GeneDx Variant Classification (06012015). Collection method: clinical testing. Allele origin: germline. Affected: yes.
Comment: A variant of uncertain significance has been identified in the ALG13 gene. The A81T variant has not been published as a pathogenic variant, nor has it been reported as a benign variant to our knowledge. The A81T variant is not observed in large population cohorts (Lek et al., 2016; 1000 Genomes Consortium et al., 2015; Exome Variant Server). The A81T variant is a non-conservative amino acid substitution, which is likely to impact secondary protein structure as these residues differ in polarity, charge, size and/or other properties. This substitution occurs at a position that is conserved across species and in silico analysis predicts this variant is probably damaging to the protein structure/function. However, missense variants in nearby residues have not been reported in Human Gene Mutation Database in association with ALG13-related disorders (Stenson et al., 2014). Therefore, based on the currently available information, it is unclear whether this variant is a pathogenic variant or a rare benign variant.

OMIM
Classification: Pathogenic for DEVELOPMENTAL AND EPILEPTIC ENCEPHALOPATHY 36. Last evaluated: 2022-04-01. Review status: no assertion criteria provided. Collection method: literature only. Allele origin: germline. Not counted in ClinVar's aggregate classification.

Yale Center for Mendelian Genomics, Yale University
Classification: Likely pathogenic for Microcephaly; Neurodevelopmental delay; Seizure. Last evaluated: 2021-03-18. Review status: no assertion criteria provided. Collection method: literature only. Allele origin: de novo. Affected: yes. Observed: 1 hemizygote. Study: Yale Center for Mendelian Genomics. Not counted in ClinVar's aggregate classification.

Literature cited by the submitters: PubMed 32681751 (cited by OMIM); PubMed 33734437 (cited by OMIM and Yale Center for Mendelian Genomics, Yale University).